The following is an entry in ClinVar:

NM_000059.4(BRCA2):c.9227G>T (p.Gly3076Val)

Gene: BRCA2 (BRCA2 DNA repair associated; plus strand). Cytogenetic location: 13q13.1.
Variant type: single nucleotide variant.
Coding change: c.9227G>T on transcript NM_000059.4 (MANE Select); coding-DNA position 9227, G replaced by T.
Protein change: p.Gly3076Val; replaces glycine 3076 with valine.
Molecular consequence: missense variant.
Genome position (GRCh38, 1-based): chr13:32,380,116, G>T. VCF-style: chr13-32380116-G-T. GRCh37 (hg19) VCF-style: chr13-32954253-G-T.
Other names: NM_000059.4(BRCA2):c.9227G>T; p.Gly3076Val; 9455G>T; short protein forms G3076V.
Identifiers: ClinVar variation 126203 (VCV000126203.25), dbSNP rs80359187, ClinGen allele CA026041.

ClinVar aggregate classification (germline): Pathogenic. Review status: reviewed by expert panel (3 of 4 stars). 10 submissions from 10 submitters: Pathogenic (1). 9 of the submissions do not count toward it. Last evaluated 2024-06-11.

Conditions:
BRCA2-related cancer predisposition. Identifiers: MedGen CN377758, MONDO:0700269.
Hereditary cancer-predisposing syndrome. Also called: Hereditary neoplastic syndrome; Hereditary Cancer Syndrome; Neoplastic Syndromes, Hereditary; Tumor predisposition. Identifiers: Orphanet 140162, MedGen C0027672, MeSH D009386, MONDO:0015356.
Hereditary breast ovarian cancer syndrome. Also called: BRCA1- and BRCA2-Associated Hereditary Breast and Ovarian Cancer; Hereditary breast and ovarian cancer syndrome; Hereditary breast and ovarian cancer syndrome (HBOC); Hereditary breast and ovarian cancer; Breast and ovarian cancer; Hereditary breast and/or ovarian cancer syndrome. Identifiers: Orphanet 145, MedGen C0677776, MeSH D061325, MONDO:0003582. Disease mechanism: loss of function.
Breast-ovarian cancer, familial, susceptibility to, 2 (BROVCA2). Also called: BRCA2 Hereditary Breast and Ovarian Cancer. Identifiers: Orphanet 145, MedGen C2675520, MONDO:0012933, OMIM 612555. Disease mechanism: loss of function.

Submissions (10):

ClinGen ENIGMA BRCA1 and BRCA2 Variant Curation Expert Panel, ClinGen
Classification: Pathogenic for BRCA2-related cancer predisposition. Last evaluated: 2024-06-11. Review status: reviewed by expert panel. Criteria: CSpec BRCA1/2ACMG Rules Specifications V1.0. Collection method: curation. Allele origin: germline. Inheritance: Autosomal dominant inheritance.
Comment: The variant c.9227G>T in BRCA2 is a missense variant predicted to cause substitution of Glycine by Valine at amino acid 3076 (p.Gly3076Val). This variant is absent from gnomAD v2.1 (exomes only, non-cancer subset, read depth >=25) and gnomAD v3.1 (non-cancer subset, read depth >=25) (PM2_Supporting met). This BRCA2 missense variant is within a key functional domain and the computational predictor BayesDel (noAF) gives a score of 0.398, above the recommended threshold of 0.30 for prediction of impact on BRCA2 function via protein change. SpliceAI predictor score of 0.01 suggests that the variant has no impact on splicing (score threshold <0.10) (PP3 met). Reported by one calibrated study to exhibit protein function similar to pathogenic control variants (PMID: 33609447) (PS3 met). Multifactorial likelihood ratio analysis using clinically calibrated data produced a combined LR for this variant of 3104.98 (based on Cosegregation LR=770.85; Pathology LR=1.89; Co-occurrence LR=1.08; Family History LR=1.98), above the threshold for Very strong evidence towards pathogenicity (LR >350) (PP4_Very strong met; PMID: 31853058, Internal lab contributors). In summary, this variant meets the criteria to be classified as a Pathogenic variant for BRCA2-related cancer predisposition based on the ACMG/AMP criteria applied as specified by the ENIGMA BRCA1/2 VCEP (PM2_Supporting, PP3, PS3, PP4_Very strong).

Dasa
Classification: Pathogenic. Last evaluated: 2026-03-12. Review status: criteria provided, single submitter. Criteria: DASA Assertion Criteria. Collection method: clinical testing. Allele origin: germline. Not counted in ClinVar's aggregate classification.
Comment: NM_000059.4(BRCA2):c.9227G>T (p.Gly3076Val) is a missense variant that results in the substitution of glycine with valine. Functional evidence supports a deleterious effect on the gene or gene product (PMID: 31853058; PMID: 33609447). This variant has been recurrently observed in individuals with related phenotype (PMID: 31853058; PMID: 33609447). Multiple computational predictions support a deleterious effect on the gene or gene product. The variant is present at low frequency in population datasets. Based on the available data, this variant is classified as pathogenic.

Ambry Genetics
Classification: Pathogenic for Hereditary cancer-predisposing syndrome. Last evaluated: 2024-01-16. Review status: criteria provided, single submitter. Criteria: Ambry Variant Classification Scheme 2023. Collection method: clinical testing. Allele origin: germline. Not counted in ClinVar's aggregate classification.
Comment: The p.G3076V pathogenic mutation (also known as c.9227G>T), located in coding exon 23 of the BRCA2 gene, results from a G to T substitution at nucleotide position 9227. The glycine at codon 3076 is replaced by valine, an amino acid with dissimilar properties. This alteration was identified in a cohort of 418 Southern Brazilian HBOC probands (Alemar B et al. PLoS ONE. 2017 Nov;12:e0187630). Homology-directed DNA repair (HDR) assays have demonstrated this variant to be non-functional (Guidugli L et al. Am. J. Hum. Genet. 2018 02;102:233-248; Hart SN et al. Genet. Med. 2019 01;21:71-80). Internal structural analysis indicates that this amino acid substitution will be strongly destabilizing to the local structure and may affect binding to APRIN and PALB2 (Yang H et al. Science. 2002 Sep;297:1837-48; Ambry internal data). This amino acid position is completely conserved on sequence alignment. This alteration is predicted to be deleterious by in silico analysis. Based on the supporting evidence, this alteration is interpreted as a disease-causing mutation.

Labcorp Genetics (formerly Invitae), Labcorp
Classification: Pathogenic for Hereditary breast ovarian cancer syndrome. Last evaluated: 2023-10-04. Review status: criteria provided, single submitter. Criteria: Invitae Variant Classification Sherloc (09022015). Collection method: clinical testing. Allele origin: germline. Not counted in ClinVar's aggregate classification.
Comment: This sequence change replaces glycine, which is neutral and non-polar, with valine, which is neutral and non-polar, at codon 3076 of the BRCA2 protein (p.Gly3076Val). This variant is not present in population databases (gnomAD no frequency). This missense change has been observed in individual(s) with hereditary breast and/or ovarian cancer (PMID: 29161300, 30254663, 32814805). It has also been observed to segregate with disease in related individuals. ClinVar contains an entry for this variant (Variation ID: 126203). Advanced modeling performed at Invitae incorporating data from internal and/or published experimental studies (PMID: 33609447) indicates that this missense variant is expected to disrupt BRCA2 function. Experimental studies have shown that this missense change affects BRCA2 function (PMID: 23108138, 29394989). This variant disrupts the p.Gly3076 amino acid residue in BRCA2. Other variant(s) that disrupt this residue have been determined to be pathogenic (PMID: 12569143, 22711857, 23108138, 29394989, 30078507). This suggests that this residue is clinically significant, and that variants that disrupt this residue are likely to be disease-causing. For these reasons, this variant has been classified as Pathogenic.

Color Diagnostics, LLC DBA Color Health
Classification: Likely pathogenic for Hereditary cancer-predisposing syndrome. Last evaluated: 2021-09-21. Review status: criteria provided, single submitter. Criteria: ACMG Guidelines, 2015. Collection method: clinical testing. Allele origin: germline. Not counted in ClinVar's aggregate classification.
Comment: This missense variant replaces glycine with valine at codon 3076 in the DNA binding domain of the BRCA2 protein. Computational prediction tool suggests that this variant may have deleterious impact on protein structure and function (internally defined REVEL score threshold >=0.7, PMID: 27666373). Functional studies have shown that this variant results in the loss of homology directed repair activity of the BRCA2 protein (PMID: 23108138, 33609447). This variant has been reported in individuals affected with breast and ovarian cancer (PMID: 32814805, 33007869). It has been shown that this variant segregates with disease in at least one HBOC family (PMID: 32814805). This variant has not been identified in the general population by the Genome Aggregation Database (gnomAD). Based on the available evidence, this variant is classified as Likely Pathogenic.

Cancer Variant Interpretation Group UK, Institute of Cancer Research, London
Classification: Likely pathogenic for Hereditary Breast and Ovarian Cancer. Last evaluated: 2018-10-09. Review status: criteria provided, single submitter. Criteria: ACMG Guidelines, 2015. Collection method: curation. Allele origin: germline. Not counted in ClinVar's aggregate classification.
Comment: Data used in classification: The frequency of this variant is 0/138,632 individuals (gnomAD) (PM2_mod). This variant is predicted deleterious on AlignGVGD (class: C65), SIFT (Deleterious), Polyphen2 HumVar (probably damaging) and CADD (25.3) (PP3_sup). The variant is in the DNA-binding domain of BRCA2 (PM1_sup). In the BRCA2 Homology-Directed Repair Activity assay for the DNA Binding Domain (Guidugli et al Cancer Res 2013;73:265-275,Couch Lab), the variant has a probability of pathogenicity of 1.0 (PS3_strong). Data not used in classification: There are additional reports of this variant in ClinVar (4), BIC (2), and BRCA2 LOVD (1).

Genesis Genomics
Classification: Pathogenic for Breast-ovarian cancer, familial, susceptibility to, 2. Review status: criteria provided, single submitter. Criteria: ACMG Guidelines, 2015. Collection method: clinical testing. Allele origin: germline. Affected: no. Observed: 1 variant allele. Not counted in ClinVar's aggregate classification.

Department of Medical and Surgical Sciences, University of Bologna
Classification: Pathogenic for Breast-ovarian cancer, familial, susceptibility to, 2. Last evaluated: 2023-09-01. Review status: no assertion criteria provided. Collection method: clinical testing. Allele origin: germline. Affected: yes. Not counted in ClinVar's aggregate classification.
Comment: PS3(Strong)+PM2(Supporting)+PP3(Supporting)+PP4(Very Strong) according to ACMG/AMP classification guidelines specified for BRCA1 & BRCA2 (Classification Criteria V1.0.0 2023-09-08) (PMID: 38160042)

Sharing Clinical Reports Project (SCRP)
Classification: Uncertain significance for Breast-ovarian cancer, familial 2. Last evaluated: 2011-03-07. Review status: no assertion criteria provided. Collection method: clinical testing. Allele origin: germline. Not counted in ClinVar's aggregate classification.

Breast Cancer Information Core (BIC) (BRCA2)
Classification: Uncertain significance for Breast-ovarian cancer, familial 2. Last evaluated: 2003-12-23. Review status: no assertion criteria provided. Collection method: clinical testing. Allele origin: germline. Affected: yes. Observed: 2 variant alleles. Not counted in ClinVar's aggregate classification.

Literature cited by the submitters: PubMed 33609447 (cited by 4 submitters); PubMed 31853058 (cited by Dasa); PubMed 12228710 (cited by Ambry Genetics); PubMed 29161300 (cited by Ambry Genetics and Labcorp Genetics (formerly Invitae), Labcorp); PubMed 29394989 (cited by Ambry Genetics and Labcorp Genetics (formerly Invitae), Labcorp); PubMed 29884841 (cited by Ambry Genetics); PubMed 30254663 (cited by Labcorp Genetics (formerly Invitae), Labcorp); PubMed 32814805 (cited by Labcorp Genetics (formerly Invitae), Labcorp and Color Diagnostics, LLC DBA Color Health); PubMed 23108138 (cited by 3 submitters); PubMed 12569143 (cited by Labcorp Genetics (formerly Invitae), Labcorp); PubMed 22711857 (cited by Labcorp Genetics (formerly Invitae), Labcorp); PubMed 30078507 (cited by Labcorp Genetics (formerly Invitae), Labcorp); PubMed 33007869 (cited by Color Diagnostics, LLC DBA Color Health).